The following is an entry in ClinVar:

ClinVar aggregate classification (germline): Uncertain significance (1 of 4 stars; one submission).

Submission:

GeneDx
Classification: Uncertain significance. Last evaluated: 2019-06-13. Review status: criteria provided, single submitter. Criteria: GeneDx Variant Classification Process June 2021. Collection method: clinical testing. Allele origin: germline. Affected: yes.
Comment: Not observed in large population cohorts (Lek et al., 2016); In silico analysis, which includes protein predictors and evolutionary conservation, supports a deleterious effect; Has not been previously published as pathogenic or benign to our knowledge

NM_001376.5(DYNC1H1):c.2260A>G (p.Lys754Glu)

Gene: DYNC1H1 (dynein cytoplasmic 1 heavy chain 1; plus strand). Cytogenetic location: 14q32.31.
Variant type: single nucleotide variant.
Coding change: c.2260A>G on transcript NM_001376.5 (MANE Select); coding-DNA position 2260, A replaced by G.
Protein change: p.Lys754Glu; replaces lysine 754 with glutamic acid.
Molecular consequence: missense variant.
Genome position (GRCh38, 1-based): chr14:101,986,485, A>G. VCF-style: chr14-101986485-A-G. GRCh37 (hg19) VCF-style: chr14-102452822-A-G.
Other names: short protein forms K754E.
Identifiers: ClinVar variation 1306367 (VCV001306367.2), dbSNP rs2141275007, ClinGen allele CA391022357.